The following is an entry in ClinVar:

NM_020461.4(TUBGCP6):c.4954+3G>A

Gene: TUBGCP6 (tubulin gamma complex component 6; minus strand). Cytogenetic location: 22q13.33.
Variant type: single nucleotide variant.
Coding change: c.4954+3G>A on transcript NM_020461.4 (MANE Select); 3 bases into the intron after coding-DNA position 4954, G replaced by A.
Molecular consequence: intron variant.
Genome position (GRCh38, 1-based): chr22:50,218,485, C>T on the plus strand (G>A on the coding strand, the complement: TUBGCP6 is on the minus strand). VCF-style: chr22-50218485-C-T. GRCh37 (hg19) VCF-style: chr22-50656914-C-T.
Identifiers: ClinVar variation 1002244 (VCV001002244.6), dbSNP rs764103290, ClinGen allele CA10307266.
Genomic context (GRCh38, chr22:50,218,485, plus strand): 5'-GGGCAGAGGTGAGCGCAGCCTCCAGCCAGGGGTGCGGGGCGCCGGGCTCCAGCGGGGCCT[C>T]ACCTGTGCGCTTGAGGTGGAAGCAGACGTCCTTGAGCGCCCACATCATGAGCTTCAGCTG-3'

ClinVar aggregate classification (germline): Uncertain significance (1 of 4 stars; one submission).

Allele frequency attached by ClinVar (database versions not stated): ExAC 0.00001; gnomAD 0.00001; gnomAD exomes 0.00001 and 0.00002; TOPMed 0.00006.
gnomAD v4.1: 14 of 1,613,302 alleles (0.00087%); highest among the groups gnomAD compares: Admixed American, 0.005%; no homozygotes.

Submission:

Labcorp Genetics (formerly Invitae), Labcorp
Classification: Uncertain significance. Last evaluated: 2022-08-30. Review status: criteria provided, single submitter. Criteria: Invitae Variant Classification Sherloc (09022015). Collection method: clinical testing. Allele origin: germline.
Comment: This variant has not been reported in the literature in individuals affected with TUBGCP6-related conditions. In summary, the available evidence is currently insufficient to determine the role of this variant in disease. Therefore, it has been classified as a Variant of Uncertain Significance. Variants that disrupt the consensus splice site are a relatively common cause of aberrant splicing (PMID: 17576681, 9536098). Algorithms developed to predict the effect of sequence changes on RNA splicing suggest that this variant is not likely to affect RNA splicing. ClinVar contains an entry for this variant (Variation ID: 1002244). This variant is present in population databases (rs764103290, gnomAD 0.006%). This sequence change falls in intron 22 of the TUBGCP6 gene. It does not directly change the encoded amino acid sequence of the TUBGCP6 protein. It affects a nucleotide within the consensus splice site.

Literature cited by the submitters: PubMed 17576681; PubMed 9536098.